The following is an entry in ClinVar:

NM_177438.3(DICER1):c.1094C>T (p.Pro365Leu)

Gene: DICER1 (dicer 1, ribonuclease III; minus strand). Cytogenetic location: 14q32.13.
Variant type: single nucleotide variant.
Coding change: c.1094C>T on transcript NM_177438.3 (MANE Select); coding-DNA position 1094, C replaced by T.
Protein change: p.Pro365Leu; replaces proline 365 with leucine.
Molecular consequence: missense variant.
Genome position (GRCh38, 1-based): chr14:95,124,478, G>A on the plus strand (C>T on the coding strand, the complement: DICER1 is on the minus strand). VCF-style: chr14-95124478-G-A. GRCh37 (hg19) VCF-style: chr14-95590815-G-A.
Other names: c.1094C>T, p.Pro365Leu (NM_001195573.1, NM_001271282.3, NM_001291628.2 and 1 more transcripts); short protein forms P365L.
Identifiers: ClinVar variation 412067 (VCV000412067.13), dbSNP rs1060503598, ClinGen allele CA16614390.
Genomic context (GRCh38, chr14:95,124,478, plus strand): 5'-CGTAAGATTTCGAGCAGTTTGATTACTTTAGGAGTTACAAATTTCAGGTCAAGTGAGGCA[G>A]GTGAGAAGTGCTCTTCACATAGTGCATGTATTTTCCTTAGGAAAGTGTCTGTAAACAATA-3'
Protein context (NP_803187.1, residues 355-375): IHALCEEHFS[Pro365Leu]ASLDLKFVTP

ClinVar aggregate classification (germline): Uncertain significance. Review status: criteria provided, multiple submitters, no conflicts (2 of 4 stars). 2 submissions from 2 submitters: Uncertain significance (2). Last evaluated 2025-12-02.

Conditions:
DICER1-related tumor predisposition. Also called: DICER1-related pleuropulmonary blastoma cancer predisposition syndrome; DICER1 syndrome. Identifiers: Orphanet 284343, MedGen C3839822, MONDO:0100216.
Hereditary cancer-predisposing syndrome. Also called: Hereditary neoplastic syndrome; Neoplastic Syndromes, Hereditary; Tumor predisposition; Hereditary Cancer Syndrome. Identifiers: Orphanet 140162, MedGen C0027672, MeSH D009386, MONDO:0015356.

Allele frequency attached by ClinVar (database versions not stated): TOPMed below 0.00001.
gnomAD v4.1: 1 of 1,614,150 alleles (0.000062%); highest among the groups gnomAD compares: Non-Finnish European, 0.000085%; no homozygotes.

Submissions (2):

Labcorp Genetics (formerly Invitae), Labcorp
Classification: Uncertain significance for DICER1-related tumor predisposition. Last evaluated: 2025-12-02. Review status: criteria provided, single submitter. Criteria: Invitae Variant Classification Sherloc (09022015). Collection method: clinical testing. Allele origin: germline.
Comment: This sequence change replaces proline, which is neutral and non-polar, with leucine, which is neutral and non-polar, at codon 365 of the DICER1 protein (p.Pro365Leu). This variant is not present in population databases (gnomAD no frequency). This variant has not been reported in the literature in individuals affected with DICER1-related conditions. ClinVar contains an entry for this variant (Variation ID: 412067). Invitae Evidence Modeling of protein sequence and biophysical properties (such as structural, functional, and spatial information, amino acid conservation, physicochemical variation, residue mobility, and thermodynamic stability) indicates that this missense variant is not expected to disrupt DICER1 protein function with a negative predictive value of 95%. In summary, the available evidence is currently insufficient to determine the role of this variant in disease. Therefore, it has been classified as a Variant of Uncertain Significance.

Ambry Genetics
Classification: Uncertain significance for Hereditary cancer-predisposing syndrome. Last evaluated: 2025-01-19. Review status: criteria provided, single submitter. Criteria: Ambry Variant Classification Scheme 2023. Collection method: clinical testing. Allele origin: germline.
Comment: The p.P365L variant (also known as c.1094C>T), located in coding exon 7 of the DICER1 gene, results from a C to T substitution at nucleotide position 1094. The proline at codon 365 is replaced by leucine, an amino acid with similar properties. This amino acid position is highly conserved in available vertebrate species. In addition, the in silico prediction for this alteration is inconclusive. Based on the available evidence, the clinical significance of this variant remains unclear.